The following is an entry in ClinVar:

ClinVar aggregate classification (germline): Uncertain significance (1 of 4 stars; one submission).

Conditions:
Symmetrical dyschromatosis of extremities (DSH). Also called: DYSCHROMATOSIS SYMMETRICA HEREDITARIA 1; RETICULATE ACROPIGMENTATION OF DOHI; SYMMETRIC DYSCHROMATOSIS OF THE EXTREMITIES; Dyschromatosis symmetrica hereditaria. Identifiers: Orphanet 41, MedGen C0406775, MONDO:0007483, OMIM 127400.
Aicardi-Goutieres syndrome 6 (AGS6). Identifiers: Orphanet 51, MedGen C3539013, MONDO:0014007, OMIM 615010.

Allele frequency attached by ClinVar (database versions not stated): gnomAD 0.00001; TOPMed 0.00001.

Submission:

Labcorp Genetics (formerly Invitae), Labcorp
Classification: Uncertain significance for Aicardi-Goutieres syndrome 6; Symmetrical dyschromatosis of extremities. Last evaluated: 2023-12-15. Review status: criteria provided, single submitter. Criteria: Invitae Variant Classification Sherloc (09022015). Collection method: clinical testing. Allele origin: germline.
Comment: This sequence change replaces asparagine, which is neutral and polar, with threonine, which is neutral and polar, at codon 411 of the ADAR protein (p.Asn411Thr). This variant is not present in population databases (gnomAD no frequency). This variant has not been reported in the literature in individuals affected with ADAR-related conditions. Advanced modeling of protein sequence and biophysical properties (such as structural, functional, and spatial information, amino acid conservation, physicochemical variation, residue mobility, and thermodynamic stability) performed at Invitae indicates that this missense variant is not expected to disrupt ADAR protein function with a negative predictive value of 80%. In summary, the available evidence is currently insufficient to determine the role of this variant in disease. Therefore, it has been classified as a Variant of Uncertain Significance.

NM_001111.5(ADAR):c.1232A>C (p.Asn411Thr)

Gene: ADAR (adenosine deaminase RNA specific; minus strand). Cytogenetic location: 1q21.3.
Variant type: single nucleotide variant.
Coding change: c.1232A>C on transcript NM_001111.5 (MANE Select); coding-DNA position 1232, A replaced by C.
Protein change: p.Asn411Thr; replaces asparagine 411 with threonine.
Molecular consequence: missense variant.
Genome position (GRCh38, 1-based): chr1:154,601,410, T>G on the plus strand (A>C on the coding strand, the complement: ADAR is on the minus strand). VCF-style: chr1-154601410-T-G. GRCh37 (hg19) VCF-style: chr1-154573886-T-G.
Other names: c.347A>C, p.Asn116Thr (NM_001025107.3, NM_001193495.2, NM_001365046.1 and 3 more transcripts); c.1259A>C, p.Asn420Thr (NM_001365045.1); c.1232A>C, p.Asn411Thr (NM_015840.4, NM_015841.4); short protein forms N116T, N411T, N420T.
Identifiers: ClinVar variation 2932693 (VCV002932693.3), dbSNP rs1697862489, ClinGen allele CA342597068.